The following is an entry in ClinVar:

ClinVar aggregate classification (germline): Conflicting classifications of pathogenicity. Review status: criteria provided, conflicting classifications (1 of 4 stars). 4 submissions from 4 submitters: Uncertain significance (3); Likely benign (1). Last evaluated 2025-12-08.

Conditions:
Bartter disease type 1. Also called: HYPOKALEMIC ALKALOSIS WITH HYPERCALCIURIA 1, ANTENATAL; Bartter syndrome, type 1, antenatal; Bartter Syndrome type 1; HYPERPROSTAGLANDIN E SYNDROME 1. Identifiers: Orphanet 112, Orphanet 620217, MedGen C1866495, MONDO:0100344, OMIM 601678, MONDO:0011127.
Inborn genetic diseases. Identifiers: MedGen C0950123, MeSH D030342.

Allele frequency attached by ClinVar (database versions not stated): gnomAD exomes 0.00001 and 0.00004; ExAC 0.00007; ESP Exome Variant Server 0.00015; gnomAD 0.00017; TOPMed 0.00022; 1000 Genomes Project 30x 0.00078; 1000 Genomes Project 0.00080.
gnomAD v4.1: 42 of 1,614,060 alleles (0.0026%); highest among the groups gnomAD compares: African/African-American, 0.052%; no homozygotes.

Submissions (4):

Labcorp Genetics (formerly Invitae), Labcorp
Classification: Likely benign. Last evaluated: 2025-12-08. Review status: criteria provided, single submitter. Criteria: Invitae Variant Classification Sherloc (09022015). Collection method: clinical testing. Allele origin: germline.

Ambry Genetics
Classification: Uncertain significance for Inborn genetic diseases. Last evaluated: 2025-08-14. Review status: criteria provided, single submitter. Criteria: Ambry Variant Classification Scheme 2023. Collection method: clinical testing. Allele origin: germline.

Fulgent Genetics
Classification: Uncertain significance for Bartter disease type 1. Last evaluated: 2024-05-20. Review status: criteria provided, single submitter. Criteria: ACMG Guidelines, 2015. Collection method: clinical testing. Allele origin: germline.

Greenwood Genetic Center Diagnostic Laboratories, Greenwood Genetic Center
Classification: Uncertain significance. Last evaluated: 2021-03-05. Review status: criteria provided, single submitter. Criteria: ACMG Guidelines, 2015. Collection method: clinical testing. Allele origin: germline. Affected: yes.
Comment: PM2

NM_000338.3(SLC12A1):c.200A>G (p.Gln67Arg)

Gene: SLC12A1 (solute carrier family 12 member 1; plus strand). Cytogenetic location: 15q21.1.
Variant type: single nucleotide variant.
Coding change: c.200A>G on transcript NM_000338.3 (MANE Select); coding-DNA position 200, A replaced by G.
Protein change: p.Gln67Arg; replaces glutamine 67 with arginine.
Molecular consequence: missense variant.
Genome position (GRCh38, 1-based): chr15:48,207,919, A>G. VCF-style: chr15-48207919-A-G. GRCh37 (hg19) VCF-style: chr15-48500116-A-G.
Other names: c.200A>G, p.Gln67Arg (NM_001184832.2, NM_001384136.1); c.200A>G (NM_000338.2); short protein forms Q67R.
Identifiers: ClinVar variation 1331602 (VCV001331602.12), dbSNP rs139471047, ClinGen allele CA7546704.